The following is an entry in ClinVar:

ClinVar aggregate classification (germline): Likely pathogenic. Review status: criteria provided, multiple submitters, no conflicts (2 of 4 stars). 2 submissions from 2 submitters: Likely pathogenic (2). Last evaluated 2025-08-08.

Conditions:
COL4A1-related disorder. Also called: COL4A1-related condition; COL4A1-related disorders. Identifiers: MedGen CN376119, MONDO:0800461.

gnomAD v4.1: 1 of 1,614,170 alleles (0.000062%); highest among the groups gnomAD compares: Non-Finnish European, 0.000085%; no homozygotes.

Submissions (2):

PreventionGenetics, part of Exact Sciences
Classification: Likely pathogenic for COL4A1-related condition. Last evaluated: 2025-08-08. Review status: criteria provided, single submitter. Criteria: ACMG Guidelines, 2015. Collection method: clinical testing. Allele origin: germline.
Comment: The COL4A1 c.1355G>A variant is predicted to result in the amino acid substitution p.Gly452Glu. To our knowledge, this variant has not been reported in the literature or in a large population database (gnomAD), indicating it is rare. This variant impacts a glycine (Gly) residue within the highly conserved collagen triple helical domain (Gly-X-Y; amino acids 173-1440) where Gly substitutions are expected to be pathogenic. Based on this evidence, we classify this variant as likely pathogenic.

Labcorp Genetics (formerly Invitae), Labcorp
Classification: Likely pathogenic. Last evaluated: 2025-06-27. Review status: criteria provided, single submitter. Criteria: Invitae Variant Classification Sherloc (09022015). Collection method: clinical testing. Allele origin: germline.
Comment: This sequence change replaces glycine, which is neutral and non-polar, with glutamic acid, which is acidic and polar, at codon 452 of the COL4A1 protein (p.Gly452Glu). This variant is not present in population databases (gnomAD no frequency). This variant has not been reported in the literature in individuals affected with COL4A1-related conditions. ClinVar contains an entry for this variant (Variation ID: 3717688). Invitae Evidence Modeling of protein sequence and biophysical properties (such as structural, functional, and spatial information, amino acid conservation, physicochemical variation, residue mobility, and thermodynamic stability) indicates that this missense variant is expected to disrupt COL4A1 protein function with a positive predictive value of 95%. This variant disrupts the triple helix domain of COL4A1. Glycine residues within the Gly-Xaa-Yaa repeats of the triple helix domain are required for the structure and stability of fibrillar collagens (PMID: 7695699, 8218237, 19344236). In COL4A1 variants affecting these glycine residues are significantly enriched in individuals with disease (PMID: 9016532, 17078022) compared to the general population (ExAC). In summary, the currently available evidence indicates that the variant is pathogenic, but additional data are needed to prove that conclusively. Therefore, this variant has been classified as Likely Pathogenic.

Literature cited by the submitters: PubMed 7695699 (cited by Labcorp Genetics (formerly Invitae), Labcorp); PubMed 8218237 (cited by Labcorp Genetics (formerly Invitae), Labcorp); PubMed 19344236 (cited by Labcorp Genetics (formerly Invitae), Labcorp); PubMed 9016532 (cited by Labcorp Genetics (formerly Invitae), Labcorp); PubMed 17078022 (cited by Labcorp Genetics (formerly Invitae), Labcorp).

NM_001845.6(COL4A1):c.1355G>A (p.Gly452Glu)

Genes: COL4A1 (collagen type IV alpha 1 chain; minus strand), LOC126861856 (BRD4-independent group 4 enhancer GRCh37_chr13:110846747-110847946; plus strand). Cytogenetic location: 13q34.
Variant type: single nucleotide variant.
Coding change: c.1355G>A on transcript NM_001845.6 (MANE Select); coding-DNA position 1355, G replaced by A.
Protein change: p.Gly452Glu; replaces glycine 452 with glutamic acid.
Molecular consequence: missense variant.
Genome position (GRCh38, 1-based): chr13:110,195,049, C>T on the plus strand (G>A on the coding strand, the complement: COL4A1 is on the minus strand). VCF-style: chr13-110195049-C-T. GRCh37 (hg19) VCF-style: chr13-110847396-C-T.
Other names: c.1355G>A, p.Gly452Glu (NM_001303110.2); c.1355G>A (NM_001845.5); short protein forms G452E.
Identifiers: ClinVar variation 3717688 (VCV003717688.3).
Genomic context (GRCh38, chr13:110,195,049, plus strand): 5'-CAACCACCATTTTAAAAAAATCAAAATTTCTTACCTTTCTCTCCAATTTCGCCTATAAAT[C>T]CTGGCTGCCCTGGAATTCCAGGAGGACCCTGGTCACCTGGAGGTCCGGGCTGACATTCCA-3'
Protein context (NP_001836.3, residues 442-462): QGPPGIPGQP[Gly452Glu]FIGEIGEKGQ